The following is an entry in ClinVar:

NM_000051.4(ATM):c.1610C>G (p.Pro537Arg)

Gene: ATM (ATM serine/threonine kinase; plus strand). Cytogenetic location: 11q22.3.
Variant type: single nucleotide variant.
Coding change: c.1610C>G on transcript NM_000051.4 (MANE Select); coding-DNA position 1610, C replaced by G.
Protein change: p.Pro537Arg; replaces proline 537 with arginine.
Molecular consequence: missense variant.
Genome position (GRCh38, 1-based): chr11:108,251,839, C>G. VCF-style: chr11-108251839-C-G. GRCh37 (hg19) VCF-style: chr11-108122566-C-G.
Other names: c.1610C>G, p.Pro537Arg (NM_001351834.2); short protein forms P537R.
Identifiers: ClinVar variation 1403123 (VCV001403123.8), dbSNP rs587782463, ClinGen allele CA382534473.

ClinVar aggregate classification (germline): Uncertain significance (1 of 4 stars; one submission).

Conditions:
Ataxia-telangiectasia syndrome (AT). Also called: Ataxia-telangiectasia, complementation group D; AT, COMPLEMENTATION GROUP C; Ataxia-telangiectasia; Ataxia telangiectasia (A-T); Ataxia-telangiectasia, complementation group E; Cerebello-oculocutaneous telangiectasia. Identifiers: Orphanet 100, MedGen C0004135, MONDO:0008840, OMIM 208900.

Submission:

Labcorp Genetics (formerly Invitae), Labcorp
Classification: Uncertain significance for Ataxia-telangiectasia syndrome. Last evaluated: 2021-02-25. Review status: criteria provided, single submitter. Criteria: Invitae Variant Classification Sherloc (09022015). Collection method: clinical testing. Allele origin: germline.
Comment: This sequence change replaces proline with arginine at codon 537 of the ATM protein (p.Pro537Arg). The proline residue is moderately conserved and there is a moderate physicochemical difference between proline and arginine. This variant is not present in population databases (ExAC no frequency). This variant has not been reported in the literature in individuals with ATM-related conditions. Algorithms developed to predict the effect of missense changes on protein structure and function (SIFT, PolyPhen-2, Align-GVGD) all suggest that this variant is likely to be tolerated, but these predictions have not been confirmed by published functional studies and their clinical significance is uncertain. In summary, the available evidence is currently insufficient to determine the role of this variant in disease. Therefore, it has been classified as a Variant of Uncertain Significance.